The following is an entry in ClinVar:

ClinVar aggregate classification (germline): Uncertain significance (1 of 4 stars; one submission).

Submission:

GeneDx
Classification: Uncertain significance. Last evaluated: 2022-10-31. Review status: criteria provided, single submitter. Criteria: GeneDx Variant Classification Process June 2021. Collection method: clinical testing. Allele origin: germline. Affected: yes.
Comment: Not observed at significant frequency in large population cohorts (gnomAD); In silico analysis supports that this missense variant has a deleterious effect on protein structure/function; Has not been previously published as pathogenic or benign to our knowledge

NM_001130823.3(DNMT1):c.2801A>C (p.Asp934Ala)

Gene: DNMT1 (DNA methyltransferase 1; minus strand). Cytogenetic location: 19p13.2.
Variant type: single nucleotide variant.
Coding change: c.2801A>C on transcript NM_001130823.3 (MANE Select); coding-DNA position 2801, A replaced by C.
Protein change: p.Asp934Ala; replaces aspartic acid 934 with alanine.
Molecular consequence: missense variant.
Genome position (GRCh38, 1-based): chr19:10,146,444, T>G on the plus strand (A>C on the coding strand, the complement: DNMT1 is on the minus strand). VCF-style: chr19-10146444-T-G. GRCh37 (hg19) VCF-style: chr19-10257120-T-G.
Other names: c.2753A>C, p.Asp918Ala (NM_001318730.2, NM_001379.4); c.2438A>C, p.Asp813Ala (NM_001318731.2); short protein forms D813A, D918A, D934A.
Identifiers: ClinVar variation 2500553 (VCV002500553.1), dbSNP rs2038205455, ClinGen allele CA403976278.